The following is an entry in ClinVar:

NM_000070.3(CAPN3):c.1315dup (p.Val439fs)

Gene: CAPN3 (calpain 3; plus strand). Cytogenetic location: 15q15.1.
Variant type: Duplication.
Coding change: c.1315dup on transcript NM_000070.3 (MANE Select); coding-DNA position 1315, one base duplicated (G; older notation c.1315dupG).
Protein change: p.Val439fs; shifts the reading frame from valine 439.
Molecular consequence: frameshift variant.
Genome position (GRCh38, 1-based): chr15:42,399,613, G duplicated; the last of 3 consecutive G bases (chr15:42,399,611-42,399,613); duplicating any one gives the same sequence. VCF-style (leftmost placement, unchanged base first): chr15-42399610-T-TG. GRCh37 (hg19) VCF-style: chr15-42691808-T-TG.
Other names: c.1315dup, p.Val439fs (NM_024344.2); c.1171dup, p.Val391fs (NM_173087.2); short protein forms V391fs, V439fs.
Identifiers: ClinVar variation 4884788 (VCV004884788.1).
Genomic context (GRCh38, chr15:42,399,610, plus strand): 5'-GCCGATGCTCTGCAGTCTGACAAGCTTCAGACCTGGACAGTGTCTGTGAACGAGGGCCGC[T>TG]GGGTACGGGGTTGCTCTGCCGGAGGCTGCCGCAACTTCCCAGGTGGGAGATGCTCTTGAT-3'

ClinVar aggregate classification (germline): Likely pathogenic (0 of 4 stars; one submission).

Conditions:
Muscular dystrophy, limb-girdle, autosomal dominant 4. Also called: MUSCULAR DYSTROPHY, LIMB-GIRDLE, TYPE 1I; Calpain-3-related limb-girdle muscular dystrophy D4. Identifiers: Orphanet 565909, MedGen C4748295, MONDO:0029133, OMIM 618129.

Submission:

Hong-Tao Li Lab, Institute of Brain Science and Brain-inspired Research, Shandong First Medical University & Shandong Academy of Medical Sciences China
Classification: Likely pathogenic for Muscular dystrophy, limb-girdle, autosomal dominant 4. Review status: no assertion criteria provided. Collection method: research. Allele origin: germline. Inheritance: Autosomal dominant inheritance. Affected: yes. Observed: 1 variant allele, 1 heterozygote.
Comment: Observed in affected individuals from a Pakistani neurodevelopmental-disorder research cohort of 263 individuals. Classification assigned using the ACMG/AMP framework.